The following is an entry in ClinVar:

ClinVar aggregate classification (germline): Uncertain significance. Review status: criteria provided, multiple submitters, no conflicts (2 of 4 stars). 2 submissions from 2 submitters: Uncertain significance (2). Last evaluated 2025-06-04.

Allele frequency attached by ClinVar (database versions not stated): gnomAD exomes 0.00002 and 0.00003; TOPMed 0.00002; gnomAD 0.00003; ExAC 0.00006.
gnomAD v4.1: 36 of 1,613,940 alleles (0.0022%); highest among the groups gnomAD compares: African/African-American, 0.0067%; no homozygotes.

Submissions (2):

Labcorp Genetics (formerly Invitae), Labcorp
Classification: Uncertain significance. Last evaluated: 2025-06-04. Review status: criteria provided, single submitter. Criteria: Invitae Variant Classification Sherloc (09022015). Collection method: clinical testing. Allele origin: germline.
Comment: This sequence change replaces arginine, which is basic and polar, with glutamine, which is neutral and polar, at codon 282 of the KIF20A protein (p.Arg282Gln). This variant is present in population databases (rs775464245, gnomAD 0.006%). This variant has not been reported in the literature in individuals affected with KIF20A-related conditions. ClinVar contains an entry for this variant (Variation ID: 1503595). An algorithm developed to predict the effect of missense changes on protein structure and function outputs the following: PolyPhen-2: "Benign". The glutamine amino acid residue is found in multiple mammalian species, which suggests that this missense change does not adversely affect protein function. In summary, the available evidence is currently insufficient to determine the role of this variant in disease. Therefore, it has been classified as a Variant of Uncertain Significance.

Ambry Genetics
Classification: Uncertain significance. Last evaluated: 2025-01-01. Review status: criteria provided, single submitter. Criteria: Ambry Variant Classification Scheme 2023. Collection method: clinical testing. Allele origin: germline.

NM_005733.3(KIF20A):c.845G>A (p.Arg282Gln)

Gene: KIF20A (kinesin family member 20A; plus strand). Cytogenetic location: 5q31.2.
Variant type: single nucleotide variant.
Coding change: c.845G>A on transcript NM_005733.3 (MANE Select); coding-DNA position 845, G replaced by A.
Protein change: p.Arg282Gln; replaces arginine 282 with glutamine.
Molecular consequence: missense variant.
Genome position (GRCh38, 1-based): chr5:138,183,181, G>A. VCF-style: chr5-138183181-G-A. GRCh37 (hg19) VCF-style: chr5-137518870-G-A.
Other names: c.845G>A (NM_005733.2); short protein forms R282Q.
Identifiers: ClinVar variation 1503595 (VCV001503595.9), dbSNP rs775464245, ClinGen allele CA3426431.